The following is an entry in ClinVar:

NM_003289.4(TPM2):c.262C>G (p.Leu88Val)

Gene: TPM2 (tropomyosin 2; minus strand). Cytogenetic location: 9p13.3.
Variant type: single nucleotide variant.
Coding change: c.262C>G on transcript NM_003289.4 (MANE Select); coding-DNA position 262, C replaced by G.
Protein change: p.Leu88Val; replaces leucine 88 with valine.
Molecular consequence: missense variant.
Genome position (GRCh38, 1-based): chr9:35,685,759, G>C on the plus strand (C>G on the coding strand, the complement: TPM2 is on the minus strand). VCF-style: chr9-35685759-G-C. GRCh37 (hg19) VCF-style: chr9-35685756-G-C.
Other names: c.262C>G, p.Leu88Val (NM_001301226.2, NM_001301227.2, NM_213674.1); short protein forms L88V.
Identifiers: ClinVar variation 3363405 (VCV003363405.1).

ClinVar aggregate classification (germline): Uncertain significance (1 of 4 stars; one submission).

Submission:

GeneDx
Classification: Uncertain significance. Last evaluated: 2023-10-23. Review status: criteria provided, single submitter. Criteria: GeneDx Variant Classification Process June 2021. Collection method: clinical testing. Allele origin: germline. Affected: yes.
Comment: Not observed at significant frequency in large population cohorts (gnomAD); Missense variants in this gene are a common cause of disease and they are underrepresented in the general population; In silico analysis supports that this missense variant does not alter protein structure/function; Has not been previously published as pathogenic or benign to our knowledge